The following is an entry in ClinVar:

ClinVar aggregate classification (germline): Conflicting classifications of pathogenicity. Review status: criteria provided, conflicting classifications (1 of 4 stars). 2 submissions from 2 submitters: Uncertain significance (1); Likely benign (1). Last evaluated 2025-08-14.

Allele frequency attached by ClinVar (database versions not stated): TOPMed 0.00001; gnomAD 0.00002; gnomAD exomes 0.00005; ExAC 0.00007; ESP Exome Variant Server 0.00008; 1000 Genomes Project 30x 0.00016; 1000 Genomes Project 0.00020.
gnomAD v4.1: 79 of 1,614,084 alleles (0.0049%); highest among the groups gnomAD compares: Middle Eastern, 0.016%; no homozygotes.

Submissions (2):

Ambry Genetics
Classification: Likely benign. Last evaluated: 2025-08-14. Review status: criteria provided, single submitter. Criteria: Ambry Variant Classification Scheme 2023. Collection method: clinical testing. Allele origin: germline.

Labcorp Genetics (formerly Invitae), Labcorp
Classification: Uncertain significance. Last evaluated: 2023-09-19. Review status: criteria provided, single submitter. Criteria: Invitae Variant Classification Sherloc (09022015). Collection method: clinical testing. Allele origin: germline.
Comment: In summary, the available evidence is currently insufficient to determine the role of this variant in disease. Therefore, it has been classified as a Variant of Uncertain Significance. Algorithms developed to predict the effect of missense changes on protein structure and function output the following: SIFT: "Not Available"; PolyPhen-2: "Benign"; Align-GVGD: "Not Available". The serine amino acid residue is found in multiple mammalian species, which suggests that this missense change does not adversely affect protein function. ClinVar contains an entry for this variant (Variation ID: 1900180). This variant has not been reported in the literature in individuals affected with ATRIP-related conditions. This variant is present in population databases (rs199812903, gnomAD 0.007%). This sequence change replaces proline, which is neutral and non-polar, with serine, which is neutral and polar, at codon 671 of the ATRIP protein (p.Pro671Ser).

NM_130384.3(ATRIP):c.2011C>T (p.Pro671Ser)

Genes: ATRIP (ATR interacting protein; plus strand), ATRIP-TREX1 (ATRIP-TREX1 readthrough; plus strand). Cytogenetic location: 3p21.31.
Variant type: single nucleotide variant.
Coding change: c.2011C>T on transcript NM_130384.3 (MANE Select); coding-DNA position 2011, C replaced by T.
Protein change: p.Pro671Ser; replaces proline 671 with serine.
Molecular consequence: missense variant. On other transcripts: non-coding transcript variant (1), intron variant (1).
Genome position (GRCh38, 1-based): chr3:48,464,618, C>T. VCF-style: chr3-48464618-C-T. GRCh37 (hg19) VCF-style: chr3-48506017-C-T.
Other names: c.1630C>T, p.Pro544Ser (NM_001271022.2); c.1732C>T, p.Pro578Ser (NM_001271023.2); c.1975-213C>T (NM_032166.4); c.2011C>T (NM_130384.1); short protein forms P544S, P578S, P671S.
Identifiers: ClinVar variation 1900180 (VCV001900180.6), dbSNP rs199812903, ClinGen allele CA2376355.